The following is an entry in ClinVar:

ClinVar aggregate classification (germline): Uncertain significance (1 of 4 stars; one submission).

Conditions:
Severe combined immunodeficiency, autosomal recessive, T cell-negative, B cell-negative, NK cell-positive. Also called: SCID, T CELL-NEGATIVE, B CELL-NEGATIVE, NK CELL-POSITIVE; Severe combined immunodeficiency due to complete RAG1/2 deficiency; SCID, AR, T-cell negative, B-cell negative, NK cell-positive. Identifiers: Orphanet 331206, MedGen C1832322, MONDO:0011086, OMIM 601457.
Combined immunodeficiency with skin granulomas. Identifiers: Orphanet 157949, MedGen C2673536, MONDO:0009306, OMIM 233650.

Submission:

Labcorp Genetics (formerly Invitae), Labcorp
Classification: Uncertain significance for Combined immunodeficiency with skin granulomas; Severe combined immunodeficiency, autosomal recessive, T cell-negative, B cell-negative, NK cell-positive. Last evaluated: 2024-01-19. Review status: criteria provided, single submitter. Criteria: Invitae Variant Classification Sherloc (09022015). Collection method: clinical testing. Allele origin: germline.
Comment: This sequence change replaces isoleucine, which is neutral and non-polar, with leucine, which is neutral and non-polar, at codon 256 of the RAG2 protein (p.Ile256Leu). This variant is not present in population databases (gnomAD no frequency). This variant has not been reported in the literature in individuals affected with RAG2-related conditions. ClinVar contains an entry for this variant (Variation ID: 2087899). Advanced modeling of protein sequence and biophysical properties (such as structural, functional, and spatial information, amino acid conservation, physicochemical variation, residue mobility, and thermodynamic stability) has been performed at Invitae for this missense variant, however the output from this modeling did not meet the statistical confidence thresholds required to predict the impact of this variant on RAG2 protein function. In summary, the available evidence is currently insufficient to determine the role of this variant in disease. Therefore, it has been classified as a Variant of Uncertain Significance.

NM_000536.4(RAG2):c.766A>C (p.Ile256Leu)

Gene: RAG2 (recombination activating 2; minus strand). Cytogenetic location: 11p12.
Variant type: single nucleotide variant.
Coding change: c.766A>C on transcript NM_000536.4 (MANE Select); coding-DNA position 766, A replaced by C.
Protein change: p.Ile256Leu; replaces isoleucine 256 with leucine.
Molecular consequence: missense variant.
Genome position (GRCh38, 1-based): chr11:36,593,403, T>G on the plus strand (A>C on the coding strand, the complement: RAG2 is on the minus strand). VCF-style: chr11-36593403-T-G. GRCh37 (hg19) VCF-style: chr11-36614953-T-G.
Other names: c.766A>C, p.Ile256Leu (NM_001243785.2, NM_001243786.2); short protein forms I256L.
Identifiers: ClinVar variation 2087899 (VCV002087899.4), dbSNP rs2494793541, ClinGen allele CA380142158.